The following is an entry in ClinVar:

NM_000426.4(LAMA2):c.4973C>T (p.Thr1658Ile)

Gene: LAMA2 (laminin subunit alpha 2; plus strand). Cytogenetic location: 6q22.33.
Variant type: single nucleotide variant.
Coding change: c.4973C>T on transcript NM_000426.4 (MANE Select); coding-DNA position 4973, C replaced by T.
Protein change: p.Thr1658Ile; replaces threonine 1658 with isoleucine.
Molecular consequence: missense variant.
Genome position (GRCh38, 1-based): chr6:129,383,135, C>T. VCF-style: chr6-129383135-C-T. GRCh37 (hg19) VCF-style: chr6-129704280-C-T.
Other names: c.4973C>T, p.Thr1658Ile (NM_001079823.2); short protein forms T1658I.
Identifiers: ClinVar variation 1715180 (VCV001715180.6), dbSNP rs757751668, ClinGen allele CA365628519.

ClinVar aggregate classification (germline): Uncertain significance (1 of 4 stars; one submission).

Conditions:
LAMA2-related muscular dystrophy (LAMA2-RD). Also called: Laminin alpha 2-related dystrophy. Identifiers: MedGen C5679788, MONDO:0100228.

gnomAD v4.1: 3 of 1,613,572 alleles (0.00019%); highest among the groups gnomAD compares: African/African-American, 0.0013%; no homozygotes.

Submission:

Labcorp Genetics (formerly Invitae), Labcorp
Classification: Uncertain significance for LAMA2-related muscular dystrophy. Last evaluated: 2022-09-09. Review status: criteria provided, single submitter. Criteria: Invitae Variant Classification Sherloc (09022015). Collection method: clinical testing. Allele origin: germline.
Comment: In summary, the available evidence is currently insufficient to determine the role of this variant in disease. Therefore, it has been classified as a Variant of Uncertain Significance. Advanced modeling of protein sequence and biophysical properties (such as structural, functional, and spatial information, amino acid conservation, physicochemical variation, residue mobility, and thermodynamic stability) performed at Invitae indicates that this missense variant is not expected to disrupt LAMA2 protein function. This variant has not been reported in the literature in individuals affected with LAMA2-related conditions. This variant is present in population databases (no rsID available, gnomAD 0.0009%). This sequence change replaces threonine, which is neutral and polar, with isoleucine, which is neutral and non-polar, at codon 1658 of the LAMA2 protein (p.Thr1658Ile).